The following is an entry in ClinVar:

NM_007294.4(BRCA1):c.5112T>G (p.Phe1704Leu)

Gene: BRCA1 (BRCA1 DNA repair associated; minus strand). Cytogenetic location: 17q21.31.
Variant type: single nucleotide variant.
Coding change: c.5112T>G on transcript NM_007294.4 (MANE Select); coding-DNA position 5112, T replaced by G.
Protein change: p.Phe1704Leu; replaces phenylalanine 1704 with leucine.
Molecular consequence: missense variant. On other transcripts: non-coding transcript variant (1).
Genome position (GRCh38, 1-based): chr17:43,063,914, A>C on the plus strand (T>G on the coding strand, the complement: BRCA1 is on the minus strand). VCF-style: chr17-43063914-A-C. GRCh37 (hg19) VCF-style: chr17-41215931-A-C.
Other names: c.4899T>G, p.Phe1633Leu (NM_001407571.1, NM_001407900.1, NM_001407902.1 and 12 more transcripts); c.5178T>G, p.Phe1726Leu (NM_001407581.1, NM_001407582.1); c.5175T>G, p.Phe1725Leu (NM_001407583.1, NM_001407585.1, NM_001407587.1 and 1 more transcripts); c.5172T>G, p.Phe1724Leu (NM_001407590.1, NM_001407591.1); c.5112T>G, p.Phe1704Leu (NM_001407593.1, NM_001407594.1, NM_001407596.1 and 7 more transcripts); c.5109T>G, p.Phe1703Leu (NM_001407610.1, NM_001407611.1, NM_001407612.1 and 17 more transcripts); c.5106T>G, p.Phe1702Leu (NM_001407627.1, NM_001407628.1, NM_001407629.1 and 14 more transcripts); c.5097T>G, p.Phe1699Leu (NM_001407647.1); and 71 more; short protein forms F1657L, F1704L, F1725L, F600L, F1408L, F1576L, F1593L, F1635L.
Identifiers: ClinVar variation 867662 (VCV000867662.12), dbSNP rs2051921852, ClinGen allele CA10591304.

ClinVar aggregate classification (germline): Uncertain significance. Review status: criteria provided, multiple submitters, no conflicts (2 of 4 stars). 2 submissions from 2 submitters: Uncertain significance (2). Last evaluated 2021-07-03.

Conditions:
Hereditary breast ovarian cancer syndrome. Also called: Hereditary breast and ovarian cancer; Hereditary breast and ovarian cancer syndrome (HBOC); Breast and ovarian cancer; Hereditary breast and/or ovarian cancer syndrome; BRCA1- and BRCA2-Associated Hereditary Breast and Ovarian Cancer; Hereditary breast and ovarian cancer syndrome. Identifiers: Orphanet 145, MedGen C0677776, MeSH D061325, MONDO:0003582. Disease mechanism: loss of function.

Submissions (3):

Labcorp Genetics (formerly Invitae), Labcorp
Classification: Uncertain significance for Hereditary breast ovarian cancer syndrome. Last evaluated: 2021-07-03. Review status: criteria provided, single submitter. Criteria: Invitae Variant Classification Sherloc (09022015). Collection method: clinical testing. Allele origin: germline.
Comment: This sequence change replaces phenylalanine with leucine at codon 1704 of the BRCA1 protein (p.Phe1704Leu). The phenylalanine residue is highly conserved and there is a small physicochemical difference between phenylalanine and leucine. This variant is not present in population databases (ExAC no frequency). This variant has not been reported in the literature in individuals affected with BRCA1-related conditions. ClinVar contains an entry for this variant (Variation ID: 867662). Advanced modeling of protein sequence and biophysical properties (such as structural, functional, and spatial information, amino acid conservation, physicochemical variation, residue mobility, and thermodynamic stability) performed at Invitae indicates that this missense variant is not expected to disrupt BRCA1 protein function. Experimental studies have shown that this variant affects BRCA1 protein function (PMID: 30209399). In summary, the available evidence is currently insufficient to determine the role of this variant in disease. Therefore, it has been classified as a Variant of Uncertain Significance.

GeneDx
Classification: Uncertain significance. Last evaluated: 2019-12-16. Review status: criteria provided, single submitter. Criteria: GeneDx Variant Classification Process June 2021. Collection method: clinical testing. Allele origin: germline. Affected: yes.
Comment: Published functional studies classified this variant as non-functional in a cell survival assay (Findlay 2018); In silico analysis, which includes protein predictors and evolutionary conservation, supports a deleterious effect; Not observed in large population cohorts (Lek 2016); Also known as 5231T>G; This variant is associated with the following publications: (PMID: 30209399)

Brotman Baty Institute, University of Washington
No classification provided (evidence only). Condition: Breast-ovarian cancer, familial 1. Review status: no classification provided. Collection method: in vitro. Allele origin: not applicable. Functional consequence: functionally_abnormal. Not counted in ClinVar's aggregate classification.
ClinVar note: "not provided" was previously submitted as the classification for the variant. However, the classification appeared to be based only on an observation of functional data so it was converted to no classification on 2025-07-30.

Literature cited by the submitters: PubMed 30209399 (cited by Labcorp Genetics (formerly Invitae), Labcorp).